The following is an entry in ClinVar:

NM_000834.5(GRIN2B):c.392C>T (p.Ser131Phe)

Gene: GRIN2B (glutamate ionotropic receptor NMDA type subunit 2B; minus strand). Cytogenetic location: 12p13.1.
Variant type: single nucleotide variant.
Coding change: c.392C>T on transcript NM_000834.5 (MANE Select); coding-DNA position 392, C replaced by T.
Protein change: p.Ser131Phe; replaces serine 131 with phenylalanine.
Molecular consequence: missense variant.
Genome position (GRCh38, 1-based): chr12:13,865,817, G>A on the plus strand (C>T on the coding strand, the complement: GRIN2B is on the minus strand). VCF-style: chr12-13865817-G-A. GRCh37 (hg19) VCF-style: chr12-14018751-G-A.
Other names: c.392C>T, p.Ser131Phe (NM_001413992.1, NM_001413993.1, NM_001413994.1 and 1 more transcripts); short protein forms S131F.
Identifiers: ClinVar variation 2499406 (VCV002499406.6), dbSNP rs2497982830, ClinGen allele CA384053512.

ClinVar aggregate classification (germline): Conflicting classifications of pathogenicity. Review status: criteria provided, conflicting classifications (1 of 4 stars). 3 submissions from 3 submitters: Uncertain significance (2); Likely benign (1). Last evaluated 2025-01-27.

Conditions:
Inborn genetic diseases. Identifiers: MedGen C0950123, MeSH D030342.
Intellectual developmental disorder, autosomal dominant 6, with or without seizures. Also called: GRIN2B-related developmental delay, intellectual disability and autism spectrum disorder; Intellectual disability, autosomal dominant 6. Identifiers: Orphanet 589547, MedGen C3151411, MONDO:0013509, OMIM 613970.
Developmental and epileptic encephalopathy, 27 (DEE27). Also called: GRIN2B-Related Neurodevelopmental Disorder; Epileptic encephalopathy, early infantile, 27. Identifiers: Orphanet 3451, MedGen C4015316, MONDO:0014505, OMIM 616139.

Submissions (3):

GeneDx
Classification: Uncertain significance. Last evaluated: 2025-01-27. Review status: criteria provided, single submitter. Criteria: GeneDx Variant Classification Process June 2021. Collection method: clinical testing. Allele origin: germline.
Comment: Not observed at significant frequency in large population cohorts (gnomAD); In silico analysis supports that this missense variant has a deleterious effect on protein structure/function; Has not been previously published as pathogenic or benign to our knowledge

Ambry Genetics
Classification: Uncertain significance for Inborn genetic diseases. Last evaluated: 2024-05-28. Review status: criteria provided, single submitter. Criteria: Ambry Variant Classification Scheme 2023. Collection method: clinical testing. Allele origin: germline.
Comment: The c.392C>T (p.S131F) alteration is located in exon 2 (coding exon 1) of the GRIN2B gene. This alteration results from a C to T substitution at nucleotide position 392, causing the serine (S) at amino acid position 131 to be replaced by a phenylalanine (F). This variant was not reported in population-based cohorts in the Genome Aggregation Database (gnomAD). This amino acid position is highly conserved in available vertebrate species. This missense alteration is located in a region that has a low rate of benign missense variation (Lek, 2016; Firth, 2009). This alteration is predicted to be deleterious by in silico analysis. Based on insufficient or conflicting evidence, the clinical significance of this alteration remains unclear.

Labcorp Genetics (formerly Invitae), Labcorp
Classification: Likely benign for Developmental and epileptic encephalopathy, 27; Intellectual developmental disorder, autosomal dominant 6, with or without seizures. Last evaluated: 2024-04-15. Review status: criteria provided, single submitter. Criteria: Invitae Variant Classification Sherloc (09022015). Collection method: clinical testing. Allele origin: germline.